The following is an entry in ClinVar:

NM_012330.4(KAT6B):c.3717C>T (p.Pro1239=)

Gene: KAT6B (lysine acetyltransferase 6B; plus strand). Cytogenetic location: 10q22.2.
Variant type: single nucleotide variant.
Coding change: c.3717C>T on transcript NM_012330.4 (MANE Select); coding-DNA position 3717, C replaced by T.
Protein change: p.Pro1239=; no amino-acid change (proline 1239 retained).
Molecular consequence: synonymous variant.
Genome position (GRCh38, 1-based): chr10:75,028,541, C>T. VCF-style: chr10-75028541-C-T. GRCh37 (hg19) VCF-style: chr10-76788299-C-T.
Other names: c.3168C>T, p.Pro1056= (NM_001256468.2, NM_001370138.1); c.2841C>T, p.Pro947= (NM_001256469.2, NM_001370139.1, NM_001370140.1 and 2 more transcripts); c.2679C>T, p.Pro893= (NM_001370132.1); c.2028C>T, p.Pro676= (NM_001370133.1); c.1632C>T, p.Pro544= (NM_001370134.1); c.1374C>T, p.Pro458= (NM_001370135.1); c.3717C>T, p.Pro1239= (NM_001370136.1, NM_001370137.1); c.2652C>T, p.Pro884= (NM_001370143.1, NM_001370144.1).
Identifiers: ClinVar variation 300882 (VCV000300882.34), dbSNP rs147746065, ClinGen allele CA5564889.

ClinVar aggregate classification (germline): Benign/Likely benign. Review status: criteria provided, multiple submitters, no conflicts (2 of 4 stars). 5 submissions from 5 submitters: Benign (2); Likely benign (2). 1 of the submissions does not count toward it. Last evaluated 2026-01-26.

Conditions:
Genitopatellar syndrome (GTPTS). Also called: Genitopatellar syndrome (GPS); ABSENT PATELLAE, SCROTAL HYPOPLASIA, RENAL ANOMALIES, FACIAL DYSMORPHISM, AND MENTAL RETARDATION. Identifiers: Orphanet 85201, MedGen C1853566, MONDO:0011640, OMIM 606170.
KAT6B-related disorder. Also called: KAT6B-related disorders; KAT6B-related condition.

Allele frequency attached by ClinVar (database versions not stated): 1000 Genomes Project 0.00140; 1000 Genomes Project 30x 0.00156; ESP Exome Variant Server 0.00192; TOPMed 0.00201.
gnomAD v4.1: 489 of 1,614,094 alleles (0.03%); highest among the groups gnomAD compares: African/African-American, 0.58%; 4 homozygotes.

Submissions (5):

Labcorp Genetics (formerly Invitae), Labcorp
Classification: Benign for Genitopatellar syndrome. Last evaluated: 2026-01-26. Review status: criteria provided, single submitter. Criteria: Invitae Variant Classification Sherloc (09022015). Collection method: clinical testing. Allele origin: germline.

Blueprint Genetics
Classification: Likely benign. Last evaluated: 2024-10-02. Review status: criteria provided, single submitter. Criteria: ACMG Guidelines, 2015. Collection method: clinical testing. Allele origin: germline.

CeGaT Center for Human Genetics Tuebingen
Classification: Likely benign. Last evaluated: 2023-05-01. Review status: criteria provided, single submitter. Criteria: CeGaT Center For Human Genetics Tuebingen Variant Classification Criteria Version 2. Collection method: clinical testing. Allele origin: germline. Affected: yes. Observed: 1 variant allele.
Comment: KAT6B: BP4, BP7, BS2

GeneDx
Classification: Benign. Last evaluated: 2017-07-13. Review status: criteria provided, single submitter. Criteria: GeneDx Variant Classification (06012015). Collection method: clinical testing. Allele origin: germline. Affected: yes.
Comment: This variant is considered likely benign or benign based on one or more of the following criteria: it is a conservative change, it occurs at a poorly conserved position in the protein, it is predicted to be benign by multiple in silico algorithms, and/or has population frequency not consistent with disease.

PreventionGenetics, part of Exact Sciences
Classification: Benign for KAT6B-related condition. Last evaluated: 2019-05-21. Review status: no assertion criteria provided. Collection method: clinical testing. Allele origin: germline. Not counted in ClinVar's aggregate classification.
Comment: This variant is classified as benign based on ACMG/AMP sequence variant interpretation guidelines (Richards et al. 2015 PMID: 25741868, with internal and published modifications).